The following is an entry in ClinVar:

NM_017636.4(TRPM4):c.2953+6G>C

Gene: TRPM4 (transient receptor potential cation channel subfamily M member 4; plus strand). Cytogenetic location: 19q13.33.
Variant type: single nucleotide variant.
Coding change: c.2953+6G>C on transcript NM_017636.4 (MANE Select); 6 bases into the intron after coding-DNA position 2953, G replaced by C.
Molecular consequence: intron variant.
Genome position (GRCh38, 1-based): chr19:49,200,791, G>C. VCF-style: chr19-49200791-G-C. GRCh37 (hg19) VCF-style: chr19-49704048-G-C.
Other names: c.2518+6G>C (NM_001195227.2); c.1345+6G>C (NM_001321282.2); c.2608+6G>C (NM_001321281.2); c.2431+6G>C (NM_001321283.2); c.1891+6G>C (NM_001321285.2).
Identifiers: ClinVar variation 2913357 (VCV002913357.3), dbSNP rs1412013570, ClinGen allele CA633890939.
Genomic context (GRCh38, chr19:49,200,791, plus strand): 5'-TTCTACCGTCCCTACCTGCAGATCTTCGGGCAGATTCCCCAGGAGGACATGGACGGTAGG[G>C]GGGATGACGGCCTGACAGCCTTCCTCTGAGTCTCTGTCCCCGCTCCCTGGGTCTCTGTCC-3'

ClinVar aggregate classification (germline): Uncertain significance (1 of 4 stars; one submission).

Conditions:
Progressive familial heart block type IB (PFHB1B). Identifiers: Orphanet 871, MedGen C1970298, MONDO:0011474, OMIM 604559.

Allele frequency attached by ClinVar (database versions not stated): gnomAD exomes below 0.00001; gnomAD 0.00003; TOPMed 0.00004.
gnomAD v4.1: 9 of 1,613,586 alleles (0.00056%); highest among the groups gnomAD compares: Admixed American, 0.013%; no homozygotes.

Submission:

Labcorp Genetics (formerly Invitae), Labcorp
Classification: Uncertain significance for Progressive familial heart block type IB. Last evaluated: 2025-06-27. Review status: criteria provided, single submitter. Criteria: Invitae Variant Classification Sherloc (09022015). Collection method: clinical testing. Allele origin: germline.
Comment: This sequence change falls in intron 19 of the TRPM4 gene. It does not directly change the encoded amino acid sequence of the TRPM4 protein. It affects a nucleotide within the consensus splice site. This variant is present in population databases (no rsID available, gnomAD 0.2%). This variant has not been reported in the literature in individuals affected with TRPM4-related conditions. ClinVar contains an entry for this variant (Variation ID: 2913357). Variants that disrupt the consensus splice site are a relatively common cause of aberrant splicing (PMID: 17576681, 9536098). Algorithms developed to predict the effect of sequence changes on RNA splicing suggest that this variant is not likely to affect RNA splicing. In summary, the available evidence is currently insufficient to determine the role of this variant in disease. Therefore, it has been classified as a Variant of Uncertain Significance.

Literature cited by the submitters: PubMed 17576681; PubMed 9536098.